The following is an entry in ClinVar:

ClinVar aggregate classification (germline): Uncertain significance (1 of 4 stars; one submission).

Allele frequency attached by ClinVar (database versions not stated): gnomAD 0.00001; ExAC 0.00002; TOPMed 0.00003; ESP Exome Variant Server 0.00008.

Submission:

Labcorp Genetics (formerly Invitae), Labcorp
Classification: Uncertain significance. Last evaluated: 2024-12-09. Review status: criteria provided, single submitter. Criteria: Invitae Variant Classification Sherloc (09022015). Collection method: clinical testing. Allele origin: germline.
Comment: This sequence change replaces alanine, which is neutral and non-polar, with valine, which is neutral and non-polar, at codon 95 of the AIMP2 protein (p.Ala95Val). This variant is present in population databases (rs368845750, gnomAD 0.02%). This variant has not been reported in the literature in individuals affected with AIMP2-related conditions. ClinVar contains an entry for this variant (Variation ID: 1937247). An algorithm developed to predict the effect of missense changes on protein structure and function (PolyPhen-2) suggests that this variant is likely to be tolerated. In summary, the available evidence is currently insufficient to determine the role of this variant in disease. Therefore, it has been classified as a Variant of Uncertain Significance.

NM_006303.4(AIMP2):c.284C>T (p.Ala95Val)

Gene: AIMP2 (aminoacyl tRNA synthetase complex interacting multifunctional protein 2; plus strand). Cytogenetic location: 7p22.1.
Variant type: single nucleotide variant.
Coding change: c.284C>T on transcript NM_006303.4 (MANE Select); coding-DNA position 284, C replaced by T.
Protein change: p.Ala95Val; replaces alanine 95 with valine.
Molecular consequence: missense variant. On other transcripts: intron variant (1).
Genome position (GRCh38, 1-based): chr7:6,015,294, C>T. VCF-style: chr7-6015294-C-T. GRCh37 (hg19) VCF-style: chr7-6054925-C-T.
Other names: c.164C>T, p.Ala55Val (NM_001326606.2); c.50C>T, p.Ala17Val (NM_001326609.2, NM_001326610.2, NM_001326611.3); c.197C>T, p.Ala66Val (NM_001362785.2); c.152C>T, p.Ala51Val (NM_001362787.2); c.136-2520C>T (NM_001326607.2); short protein forms A51V, A17V, A55V, A66V, A95V.
Identifiers: ClinVar variation 1937247 (VCV001937247.4), dbSNP rs368845750, ClinGen allele CA4150281.